The following is an entry in ClinVar:

ClinVar aggregate classification (germline): Uncertain significance. Review status: criteria provided, multiple submitters, no conflicts (2 of 4 stars). 5 submissions from 5 submitters: Uncertain significance (5). Last evaluated 2024-09-02.

Conditions:
Inborn genetic diseases. Identifiers: MedGen C0950123, MeSH D030342.
Autosomal recessive nonsyndromic hearing loss 77. Identifiers: Orphanet 90636, MedGen C2746083, MONDO:0013119, OMIM 613079.

Allele frequency attached by ClinVar (database versions not stated): gnomAD exomes 0.00004 and 0.00010; 1000 Genomes Project 30x 0.00016; ExAC 0.00018; 1000 Genomes Project 0.00020; gnomAD 0.00023 and 0.00025; TOPMed 0.00030.
gnomAD v4.1: 97 of 1,551,806 alleles (0.0063%); highest among the groups gnomAD compares: African/African-American, 0.061%; no homozygotes.

Submissions (5):

Ambry Genetics
Classification: Uncertain significance for Inborn genetic diseases. Last evaluated: 2024-09-02. Review status: criteria provided, single submitter. Criteria: Ambry Variant Classification Scheme 2023. Collection method: clinical testing. Allele origin: germline.

CeGaT Center for Human Genetics Tuebingen
Classification: Uncertain significance. Last evaluated: 2023-11-01. Review status: criteria provided, single submitter. Criteria: CeGaT Center For Human Genetics Tuebingen Variant Classification Criteria Version 2. Collection method: clinical testing. Allele origin: germline. Affected: yes. Observed: 1 variant allele.
Comment: LOXHD1: PM2, BP4

Labcorp Genetics (formerly Invitae), Labcorp
Classification: Uncertain significance. Last evaluated: 2022-09-06. Review status: criteria provided, single submitter. Criteria: Invitae Variant Classification Sherloc (09022015). Collection method: clinical testing. Allele origin: germline.
Comment: This sequence change replaces valine, which is neutral and non-polar, with isoleucine, which is neutral and non-polar, at codon 573 of the LOXHD1 protein (p.Val573Ile). This variant is present in population databases (rs188554662, gnomAD 0.09%). This variant has not been reported in the literature in individuals affected with LOXHD1-related conditions. ClinVar contains an entry for this variant (Variation ID: 326868). Algorithms developed to predict the effect of missense changes on protein structure and function are either unavailable or do not agree on the potential impact of this missense change (SIFT: "Deleterious"; PolyPhen-2: "Benign"; Align-GVGD: "Class C0"). In summary, the available evidence is currently insufficient to determine the role of this variant in disease. Therefore, it has been classified as a Variant of Uncertain Significance.

Blueprint Genetics
Classification: Uncertain significance. Last evaluated: 2021-05-03. Review status: criteria provided, single submitter. Criteria: ACMG Guidelines, 2015. Collection method: clinical testing. Allele origin: germline.

Illumina Laboratory Services, Illumina
Classification: Uncertain significance for Autosomal recessive nonsyndromic hearing loss 77. Last evaluated: 2018-01-13. Review status: criteria provided, single submitter. Criteria: ICSL Variant Classification Criteria 13 December 2019. Collection method: clinical testing. Allele origin: germline.

NM_001384474.1(LOXHD1):c.1717G>A (p.Val573Ile)

Gene: LOXHD1 (lipoxygenase homology PLAT domains 1; minus strand). Cytogenetic location: 18q21.1.
Variant type: single nucleotide variant.
Coding change: c.1717G>A on transcript NM_001384474.1 (MANE Select); coding-DNA position 1717, G replaced by A.
Protein change: p.Val573Ile; replaces valine 573 with isoleucine.
Molecular consequence: missense variant.
Genome position (GRCh38, 1-based): chr18:46,579,722, C>T on the plus strand (G>A on the coding strand, the complement: LOXHD1 is on the minus strand). VCF-style: chr18-46579722-C-T. GRCh37 (hg19) VCF-style: chr18-44159685-C-T.
Other names: c.1717G>A, p.Val573Ile (NM_144612.7); short protein forms V573I.
Identifiers: ClinVar variation 326868 (VCV000326868.31), dbSNP rs188554662, ClinGen allele CA8952765.